The following is an entry in ClinVar:

NM_138927.4(SON):c.797T>A (p.Met266Lys)

Gene: SON (SON DNA and RNA binding protein; plus strand). Cytogenetic location: 21q22.11.
Variant type: single nucleotide variant.
Coding change: c.797T>A on transcript NM_138927.4 (MANE Select); coding-DNA position 797, T replaced by A.
Protein change: p.Met266Lys; replaces methionine 266 with lysine.
Molecular consequence: missense variant. On other transcripts: non-coding transcript variant (1), intron variant (1).
Genome position (GRCh38, 1-based): chr21:33,550,028, T>A. VCF-style: chr21-33550028-T-A. GRCh37 (hg19) VCF-style: chr21-34922334-T-A.
Other names: c.797T>A, p.Met266Lys (NM_001291411.2, NM_001412133.1, NM_032195.3 and 2 more transcripts); c.244+3649T>A (NM_001291412.3); short protein forms M266K.
Identifiers: ClinVar variation 1959573 (VCV001959573.5), dbSNP rs778470942, ClinGen allele CA10008751.

ClinVar aggregate classification (germline): Uncertain significance (1 of 4 stars; one submission).

Allele frequency attached by ClinVar (database versions not stated): TOPMed below 0.00001; ExAC 0.00001; gnomAD 0.00001; gnomAD exomes 0.00001.

Submission:

Labcorp Genetics (formerly Invitae), Labcorp
Classification: Uncertain significance. Last evaluated: 2024-05-15. Review status: criteria provided, single submitter. Criteria: Invitae Variant Classification Sherloc (09022015). Collection method: clinical testing. Allele origin: germline.
Comment: This sequence change replaces methionine, which is neutral and non-polar, with lysine, which is basic and polar, at codon 266 of the SON protein (p.Met266Lys). This variant is present in population databases (rs778470942, gnomAD 0.01%). This variant has not been reported in the literature in individuals affected with SON-related conditions. ClinVar contains an entry for this variant (Variation ID: 1959573). An algorithm developed to predict the effect of missense changes on protein structure and function (PolyPhen-2) suggests that this variant is likely to be tolerated. In summary, the available evidence is currently insufficient to determine the role of this variant in disease. Therefore, it has been classified as a Variant of Uncertain Significance.